The following is an entry in ClinVar:

NM_015450.3(POT1):c.1865A>C (p.Tyr622Ser)

Gene: POT1 (protection of telomeres 1; minus strand). Cytogenetic location: 7q31.33.
Variant type: single nucleotide variant.
Coding change: c.1865A>C on transcript NM_015450.3 (MANE Select); coding-DNA position 1865, A replaced by C.
Protein change: p.Tyr622Ser; replaces tyrosine 622 with serine.
Molecular consequence: missense variant. On other transcripts: non-coding transcript variant (3).
Genome position (GRCh38, 1-based): chr7:124,824,002, T>G on the plus strand (A>C on the coding strand, the complement: POT1 is on the minus strand). VCF-style: chr7-124824002-T-G. GRCh37 (hg19) VCF-style: chr7-124464056-T-G.
Other names: c.1472A>C, p.Tyr491Ser (NM_001042594.2); c.1865A>C (NM_015450.2); short protein forms Y622S, Y491S.
Identifiers: ClinVar variation 1497052 (VCV001497052.9), dbSNP rs760062934, ClinGen allele CA369061133.

ClinVar aggregate classification (germline): Uncertain significance. Review status: criteria provided, multiple submitters, no conflicts (2 of 4 stars). 2 submissions from 2 submitters: Uncertain significance (2). Last evaluated 2024-08-22.

Conditions:
Hereditary cancer-predisposing syndrome. Also called: Tumor predisposition; Neoplastic Syndromes, Hereditary; Hereditary Cancer Syndrome; Hereditary neoplastic syndrome. Identifiers: Orphanet 140162, MedGen C0027672, MeSH D009386, MONDO:0015356.
Tumor predisposition syndrome 3 (TPDS3). Also called: Melanoma, cutaneous malignant, susceptibility to, 10; LONG TELOMERE SYNDROME, POT1-RELATED; POT1 Tumor Predisposition; Glioma susceptibility 9. Identifiers: Orphanet 618, MedGen C4014476, MONDO:0014368, OMIM 615848.

gnomAD v4.1: 2 of 1,606,414 alleles (0.00012%); highest among the groups gnomAD compares: African/African-American, 0.0013%; no homozygotes.

Submissions (2):

Labcorp Genetics (formerly Invitae), Labcorp
Classification: Uncertain significance for Tumor predisposition syndrome 3. Last evaluated: 2024-08-22. Review status: criteria provided, single submitter. Criteria: Invitae Variant Classification Sherloc (09022015). Collection method: clinical testing. Allele origin: germline.
Comment: This sequence change replaces tyrosine, which is neutral and polar, with serine, which is neutral and polar, at codon 622 of the POT1 protein (p.Tyr622Ser). This variant is not present in population databases (gnomAD no frequency). This variant has not been reported in the literature in individuals affected with POT1-related conditions. ClinVar contains an entry for this variant (Variation ID: 1497052). Invitae Evidence Modeling of protein sequence and biophysical properties (such as structural, functional, and spatial information, amino acid conservation, physicochemical variation, residue mobility, and thermodynamic stability) indicates that this missense variant is not expected to disrupt POT1 protein function with a negative predictive value of 80%. In summary, the available evidence is currently insufficient to determine the role of this variant in disease. Therefore, it has been classified as a Variant of Uncertain Significance.

Ambry Genetics
Classification: Uncertain significance for Hereditary cancer-predisposing syndrome. Last evaluated: 2024-01-29. Review status: criteria provided, single submitter. Criteria: Ambry Variant Classification Scheme 2023. Collection method: clinical testing. Allele origin: germline.
Comment: The p.Y622S variant (also known as c.1865A>C), located in coding exon 15 of the POT1 gene, results from an A to C substitution at nucleotide position 1865. The tyrosine at codon 622 is replaced by serine, an amino acid with dissimilar properties. This amino acid position is conserved. In addition, this alteration is predicted to be deleterious by in silico analysis. Based on the available evidence, the clinical significance of this alteration remains unclear.